The following is an entry in ClinVar:

NC_000004.12:g.(?_150735238)_(150735386_?)del

Gene: LRBA (LPS responsive beige-like anchor protein; minus strand). Cytogenetic location: 4q31.3.
Variant type: Deletion.
Identifiers: ClinVar variation 831876 (VCV000831876.3).

ClinVar aggregate classification (germline): Pathogenic (1 of 4 stars; one submission).

Conditions:
Combined immunodeficiency due to LRBA deficiency. Also called: Common variable immunodeficiency 8, with autoimmunity. Identifiers: Orphanet 445018, MedGen C3553512, MONDO:0013863, OMIM 614700.

Submission:

Labcorp Genetics (formerly Invitae), Labcorp
Classification: Pathogenic for Combined immunodeficiency due to LRBA deficiency. Last evaluated: 2023-05-29. Review status: criteria provided, single submitter. Criteria: Invitae Variant Classification Sherloc (09022015). Collection method: clinical testing. Allele origin: germline.
Comment: For these reasons, this variant has been classified as Pathogenic. This variant has not been reported in the literature in individuals affected with LRBA-related conditions. This variant is a gross deletion of the genomic region encompassing exon(s) 36 of the LRBA gene. This deletion is out-of-frame, and is expected to create a premature termination codon and result in an absent or disrupted protein product. Loss-of-function variants in LRBA are known to be pathogenic (PMID: 26206937, 26768763).

Literature cited by the submitters: PubMed 26206937; PubMed 26768763.